The following is an entry in ClinVar:

ClinVar aggregate classification (germline): Uncertain significance (1 of 4 stars; one submission).

Conditions:
DCTN1-related disorder. Also called: DCTN1-related condition.

Submission:

PreventionGenetics, part of Exact Sciences
Classification: Uncertain significance for DCTN1-related condition. Last evaluated: 2026-04-24. Review status: criteria provided, single submitter. Criteria: ACMG Guidelines, 2015. Collection method: clinical testing. Allele origin: germline.
Comment: The DCTN1 c.-1C>G variant is located in the 5' untranslated region. This variant is located in the Kozak consensus sequence and is highly conserved. To our knowledge, this variant has not been reported in the literature or in a large population database (gnomAD), indicating this variant is rare. At this time, the clinical significance of this variant is uncertain due to the absence of conclusive functional and genetic evidence.

NM_004082.5(DCTN1):c.-1C>G

Gene: DCTN1 (dynactin subunit 1; minus strand). Cytogenetic location: 2p13.1.
Variant type: single nucleotide variant.
Coding change: c.-1C>G on transcript NM_004082.5 (MANE Select); 1 bases upstream of the start codon, C replaced by G.
Molecular consequence: 5 prime UTR variant. On other transcripts: intron variant (3).
Genome position (GRCh38, 1-based): chr2:74,380,038, G>C on the plus strand (C>G on the coding strand, the complement: DCTN1 is on the minus strand). VCF-style: chr2-74380038-G-C. GRCh37 (hg19) VCF-style: chr2-74607165-G-C.
Other names: c.-1C>G (NM_001135040.3, NM_001190837.2); c.-18-1793C>G (NM_001190836.2, NM_001378992.1, NM_001378991.1).
Identifiers: ClinVar variation 4988219 (VCV004988219.1).